The following is an entry in ClinVar:

NM_005560.6(LAMA5):c.2192C>G (p.Ala731Gly)

Gene: LAMA5 (laminin subunit alpha 5; minus strand). Cytogenetic location: 20q13.33.
Variant type: single nucleotide variant.
Coding change: c.2192C>G on transcript NM_005560.6 (MANE Select); coding-DNA position 2192, C replaced by G.
Protein change: p.Ala731Gly; replaces alanine 731 with glycine.
Molecular consequence: missense variant.
Genome position (GRCh38, 1-based): chr20:62,336,759, G>C on the plus strand (C>G on the coding strand, the complement: LAMA5 is on the minus strand). VCF-style: chr20-62336759-G-C. GRCh37 (hg19) VCF-style: chr20-60911815-G-C.
Other names: short protein forms A731G.
Identifiers: ClinVar variation 3355417 (VCV003355417.1).
Genomic context (GRCh38, chr20:62,336,759, plus strand): 5'-ACCCATCTCCCACACACGAGCAGACTTGGGCTCACCTCAGGAAGGGCAGGATCCACTGGG[G>C]CCAGACCGGCAGGGTGGCAAGAGCCAGCTGTGAAGAGAGGACCATGCCTCGGTCATTTCC-3'
Protein context (NP_005551.3, residues 721-741): EAGSCHPAGL[Ala731Gly]PVDPALPEAQ

ClinVar aggregate classification (germline): Uncertain significance (0 of 4 stars; one submission).

Conditions:
LAMA5-related disorder. Also called: LAMA5-related condition; LAMA5-Related Disorders.

gnomAD v4.1: 53 of 1,613,058 alleles (0.0033%); highest among the groups gnomAD compares: East Asian, 0.056%; no homozygotes.

Submission:

PreventionGenetics, part of Exact Sciences
Classification: Uncertain significance for LAMA5-related condition. Last evaluated: 2024-09-08. Review status: no assertion criteria provided. Collection method: clinical testing. Allele origin: germline.
Comment: The LAMA5 c.2192C>G variant is predicted to result in the amino acid substitution p.Ala731Gly. This variant was reported in the compound heterozygous state with another missense variant in an infant with focal seizures and spasms (Luo et al. 2022. PubMed ID: 35663266). This variant is reported in 0.070% of alleles in individuals of East Asian descent in gnomAD. At this time, the clinical significance of this variant is uncertain due to the absence of conclusive functional and genetic evidence.